The following is an entry in ClinVar:

ClinVar aggregate classification (germline): Uncertain significance (1 of 4 stars; one submission).

Submission:

CeGaT Center for Human Genetics Tuebingen
Classification: Uncertain significance. Last evaluated: 2022-11-01. Review status: criteria provided, single submitter. Criteria: CeGaT Center For Human Genetics Tuebingen Variant Classification Criteria Version 2. Collection method: clinical testing. Allele origin: germline. Affected: yes. Observed: 1 variant allele.
Comment: STN1: PM2, PM4

NM_024928.5(STN1):c.1107A>G (p.Ter369Trp)

Gene: STN1 (STN1 subunit of CST complex; minus strand). Cytogenetic location: 10q24.33.
Variant type: single nucleotide variant.
Coding change: c.1107A>G on transcript NM_024928.5 (MANE Select); coding-DNA position 1107, A replaced by G.
Protein change: p.Ter369Trp.
Molecular consequence: stop lost.
Genome position (GRCh38, 1-based): chr10:103,882,684, T>C on the plus strand (A>G on the coding strand, the complement: STN1 is on the minus strand). VCF-style: chr10-103882684-T-C. GRCh37 (hg19) VCF-style: chr10-105642442-T-C.
Identifiers: ClinVar variation 2640811 (VCV002640811.24), dbSNP rs2493018008, ClinGen allele CA378042266.